The following is an entry in ClinVar:

NM_000094.4(COL7A1):c.4636G>C (p.Gly1546Arg)

Gene: COL7A1 (collagen type VII alpha 1 chain; minus strand). Cytogenetic location: 3p21.31.
Variant type: single nucleotide variant.
Coding change: c.4636G>C on transcript NM_000094.4 (MANE Select); coding-DNA position 4636, G replaced by C.
Protein change: p.Gly1546Arg; replaces glycine 1546 with arginine.
Molecular consequence: missense variant.
Genome position (GRCh38, 1-based): chr3:48,581,943, C>G on the plus strand (G>C on the coding strand, the complement: COL7A1 is on the minus strand). VCF-style: chr3-48581943-C-G. GRCh37 (hg19) VCF-style: chr3-48619376-C-G.
Other names: c.4636G>C (NM_000094.3); short protein forms G1546R.
Identifiers: ClinVar variation 991834 (VCV000991834.5), dbSNP rs73831831, ClinGen allele CA2379909.
Genomic context (GRCh38, chr3:48,581,943, plus strand): 5'-ACCTCCCCTTGCCCCATACCAGGCTTACCTTTTCTCCTTTGGGTCCAGCAACAGCAGGTC[C>G]CTGAAAACAAACAGGACAGATACAGCTTGGCCCTGCCTTGGGGTTGTATGATCAAAGTCT-3'
Protein context (NP_000085.1, residues 1536-1556): PGRPGDPAVV[Gly1546Arg]PAVAGPKGEK

ClinVar aggregate classification (germline): Uncertain significance. Review status: criteria provided, multiple submitters, no conflicts (2 of 4 stars). 4 submissions from 4 submitters: Uncertain significance (3). 1 of the submissions does not count toward it. Last evaluated 2024-11-26.

Conditions:
COL7A1-related disorder. Also called: COL7A1-related condition; COL7A1- related disorders.
Epidermolysis bullosa dystrophica inversa, autosomal recessive. Identifiers: MedGen C2673612.

Allele frequency attached by ClinVar (database versions not stated): ExAC 0.00012; TOPMed 0.00037; gnomAD 0.00043 and 0.00045; ESP Exome Variant Server 0.00062; 1000 Genomes Project 0.00080; 1000 Genomes Project 30x 0.00094.
gnomAD v4.1: 108 of 1,613,982 alleles (0.0067%); highest among the groups gnomAD compares: African/African-American, 0.14%; no homozygotes.

Submissions (4):

PreventionGenetics, part of Exact Sciences
Classification: Uncertain significance for COL7A1-related condition. Last evaluated: 2024-11-26. Review status: criteria provided, single submitter. Criteria: ACMG Guidelines, 2015. Collection method: clinical testing. Allele origin: germline.
Comment: The COL7A1 c.4636G>C variant is predicted to result in the amino acid substitution p.Gly1546Arg. To our knowledge, this variant has not been reported in the literature. This variant is reported in 0.17% of alleles in individuals of African descent in gnomAD. Although we suspect that this variant may be benign, at this time, the clinical significance of this variant is uncertain due to the absence of conclusive functional and genetic evidence.

Labcorp Genetics (formerly Invitae), Labcorp
Classification: Uncertain significance. Last evaluated: 2024-06-24. Review status: criteria provided, single submitter. Criteria: Invitae Variant Classification Sherloc (09022015). Collection method: clinical testing. Allele origin: germline.
Comment: This sequence change replaces glycine, which is neutral and non-polar, with arginine, which is basic and polar, at codon 1546 of the COL7A1 protein (p.Gly1546Arg). This variant is present in population databases (rs73831831, gnomAD 0.2%). This variant has not been reported in the literature in individuals affected with COL7A1-related conditions. ClinVar contains an entry for this variant (Variation ID: 991834). Experimental studies and prediction algorithms are not available or were not evaluated, and the functional significance of this variant is currently unknown. In summary, the available evidence is currently insufficient to determine the role of this variant in disease. Therefore, it has been classified as a Variant of Uncertain Significance.

Women's Health and Genetics/Laboratory Corporation of America, LabCorp
Classification: Uncertain significance. Last evaluated: 2023-02-11. Review status: criteria provided, single submitter. Criteria: LabCorp Variant Classification Summary - May 2015. Collection method: clinical testing. Allele origin: germline.

Natera, Inc.
Classification: Uncertain significance for Autosomal recessive epidermolysis bullosa dystrophica inversa. Last evaluated: 2020-08-21. Review status: no assertion criteria provided. Collection method: clinical testing. Allele origin: germline. Not counted in ClinVar's aggregate classification.